The following is an entry in ClinVar:

ClinVar aggregate classification (germline): Likely benign (1 of 4 stars; one submission).

gnomAD v4.1: 2 of 1,550,416 alleles (0.00013%); highest among the groups gnomAD compares: Non-Finnish European, 0.00017%; no homozygotes.

Submission:

CeGaT Center for Human Genetics Tuebingen
Classification: Likely benign. Last evaluated: 2026-01-01. Review status: criteria provided, single submitter. Criteria: CeGaT Center For Human Genetics Tuebingen Variant Classification Criteria Version 2. Collection method: clinical testing. Allele origin: germline. Affected: yes. Observed: 1 variant allele.
Comment: PTPRQ: BP4, BP7

NM_001145026.2(PTPRQ):c.6603T>C (p.Ser2201=)

Gene: PTPRQ (protein tyrosine phosphatase receptor type Q; plus strand). Cytogenetic location: 12q21.31.
Variant type: single nucleotide variant.
Coding change: c.6603T>C on transcript NM_001145026.2 (MANE Select); coding-DNA position 6603, T replaced by C.
Protein change: p.Ser2201=; no amino-acid change (serine 2201 retained).
Molecular consequence: synonymous variant.
Genome position (GRCh38, 1-based): chr12:80,673,169, T>C. VCF-style: chr12-80673169-T-C. GRCh37 (hg19) VCF-style: chr12-81066948-T-C.
Identifiers: ClinVar variation 4823147 (VCV004823147.4).
Genomic context (GRCh38, chr12:80,673,169, plus strand): 5'-CCCCATCAAAATGAACAACCCTTTGCTGAATAATTTTCATGTAATTTACCCTTCCTGTAG[T>C]GCTGGAGTTGGAAGAACTGGAGTTTTTATTGCTCTGGACCATTTAACACAACATATAAAT-3'
Protein context (NP_001138498.1, residues 2191-2211): HDTTPMIVHC[Ser2201=]AGVGRTGVFI